The following is an entry in ClinVar:

NM_001127511.3(APC):c.42C>T (p.Pro14=)

Gene: APC (APC regulator of Wnt signaling pathway; plus strand). Cytogenetic location: 5q22.2.
Variant type: single nucleotide variant.
Coding change: c.42C>T on transcript NM_001127511.3; coding-DNA position 42, C replaced by T.
Protein change: p.Pro14=; no amino-acid change (proline 14 retained).
Molecular consequence: synonymous variant. On other transcripts: non-coding transcript variant (1), intron variant (5), 5 prime UTR variant (8).
Genome position (GRCh38, 1-based): chr5:112,707,759, C>T. VCF-style: chr5-112707759-C-T. GRCh37 (hg19) VCF-style: chr5-112043456-C-T.
Other names: c.-19+110C>T (NM_001407448.1, NM_001407450.1, NM_001407457.1 and 1 more transcripts); c.-43+110C>T (NM_001407453.1); c.-142C>T (NM_001354895.2, NM_001407447.1, NM_001407452.1 and 3 more transcripts); c.42C>T, p.Pro14= (NM_001354897.2, NM_001354902.2, NM_001407446.1); c.-1177C>T (NM_001407470.1, NM_001407472.1).
Identifiers: ClinVar variation 1057407 (VCV001057407.8), dbSNP rs948153103, ClinGen allele CA124925123.

ClinVar aggregate classification (germline): Uncertain significance (1 of 4 stars; one submission).

Conditions:
Familial adenomatous polyposis 1 (FAP1). Also called: FAMILIAL ADENOMATOUS POLYPOSIS 1, ATTENUATED; POLYPOSIS, ADENOMATOUS INTESTINAL. Identifiers: MedGen C2713442, MONDO:0021056, OMIM 175100. Disease mechanism: loss of function.

Allele frequency attached by ClinVar (database versions not stated): gnomAD 0.00001; gnomAD exomes 0.00001.

Submission:

Labcorp Genetics (formerly Invitae), Labcorp
Classification: Uncertain significance for Familial adenomatous polyposis 1. Last evaluated: 2025-11-09. Review status: criteria provided, single submitter. Criteria: Invitae Variant Classification Sherloc (09022015). Collection method: clinical testing. Allele origin: germline.
Comment: This variant occurs in a non-coding region of the APC gene. It does not change the encoded amino acid sequence of the APC protein. This variant is present in population databases (no rsID available, gnomAD 0.007%). This variant has not been reported in the literature in individuals affected with APC-related conditions. Experimental studies and prediction algorithms are not available or were not evaluated, and the functional significance of this variant is currently unknown. In summary, the available evidence is currently insufficient to determine the role of this variant in disease. Therefore, it has been classified as a Variant of Uncertain Significance.